The following is an entry in ClinVar:

ClinVar aggregate classification (germline): Likely benign. Review status: criteria provided, multiple submitters, no conflicts (2 of 4 stars). 3 submissions from 3 submitters: Likely benign (3). Last evaluated 2026-08-01.

Allele frequency attached by ClinVar (database versions not stated): ExAC below 0.00001; 1000 Genomes Project 0.00020; TOPMed 0.00029; gnomAD exomes 0.00044; 1000 Genomes Project 30x 0.00047; gnomAD 0.00057 and 0.00058.
gnomAD v4.1: 341 of 1,258,272 alleles (0.027%); highest among the groups gnomAD compares: Non-Finnish European, 0.025%; no homozygotes.

Submissions (3):

CeGaT Center for Human Genetics Tuebingen
Classification: Likely benign. Last evaluated: 2026-08-01. Review status: criteria provided, single submitter. Criteria: CeGaT Center For Human Genetics Tuebingen Variant Classification Criteria Version 2. Collection method: clinical testing. Allele origin: germline. Affected: yes. Observed: 2 variant alleles.
Comment: APC2: BP4, BP7

Labcorp Genetics (formerly Invitae), Labcorp
Classification: Likely benign. Last evaluated: 2025-12-04. Review status: criteria provided, single submitter. Criteria: Invitae Variant Classification Sherloc (09022015). Collection method: clinical testing. Allele origin: germline.

Blueprint Genetics
Classification: Likely benign. Last evaluated: 2024-11-08. Review status: criteria provided, single submitter. Criteria: ACMG Guidelines, 2015. Collection method: clinical testing. Allele origin: germline.

NM_005883.3(APC2):c.6309G>A (p.Pro2103=)

Gene: APC2 (APC regulator of Wnt signaling pathway 2; plus strand). Cytogenetic location: 19p13.3.
Variant type: single nucleotide variant.
Coding change: c.6309G>A on transcript NM_005883.3 (MANE Select); coding-DNA position 6309, G replaced by A.
Protein change: p.Pro2103=; no amino-acid change (proline 2103 retained).
Molecular consequence: synonymous variant.
Genome position (GRCh38, 1-based): chr19:1,469,610, G>A. VCF-style: chr19-1469610-G-A. GRCh37 (hg19) VCF-style: chr19-1469609-G-A.
Other names: c.6306G>A, p.Pro2102= (NM_001351273.1).
Identifiers: ClinVar variation 789495 (VCV000789495.32), dbSNP rs145335448, ClinGen allele CA9046144.
Genomic context (GRCh38, chr19:1,469,610, plus strand): 5'-CCTGCCTGTGCGCGCGCCCGCCGCCCGGCCGGAGACTGTCAAGCGCTACGCGTCGCTGCC[G>A]CACATCAGCGTGGCCCGCAGGCCCGACGGCGCCGTCCCCGCGGCCCCTGCCTCAGCCGAC-3'
Protein context (NP_005874.1, residues 2093-2113): PETVKRYASL[Pro2103=]HISVARRPDG